The following is an entry in ClinVar:

NM_016373.4(WWOX):c.1067C>T (p.Ala356Val)

Genes: MAF (MAF bZIP transcription factor; minus strand), WWOX (WW domain containing oxidoreductase; plus strand). Cytogenetic location: 16q23.2.
Variant type: single nucleotide variant.
Coding change: c.1067C>T on transcript NM_016373.4 (MANE Select); coding-DNA position 1067, C replaced by T.
Protein change: p.Ala356Val; replaces alanine 356 with valine.
Molecular consequence: missense variant.
Genome position (GRCh38, 1-based): chr16:79,211,618, C>T. VCF-style: chr16-79211618-C-T. GRCh37 (hg19) VCF-style: chr16-79245515-C-T.
Other names: c.728C>T, p.Ala243Val (NM_001291997.2); short protein forms A243V, A356V.
Identifiers: ClinVar variation 2103855 (VCV002103855.3), dbSNP rs1436796387, ClinGen allele CA396536946.

ClinVar aggregate classification (germline): Uncertain significance (1 of 4 stars; one submission).

Conditions:
Developmental and epileptic encephalopathy, 1 (DEE1). Also called: Epileptic encephalopathy, early infantile, 1; INFANTILE SPASM SYNDROME, X-LINKED 1; X-linked infantile spasms; West's syndrome; Tonic spasms with clustering, arrest of psychomotor development and hypsarrhythmia on EEG; X-Linked Infantile Spasm Syndrome. Identifiers: MedGen C3463992, MONDO:0010632, OMIM 308350. Disease mechanism: loss of function.
Autosomal recessive spinocerebellar ataxia 12. Also called: SPINOCEREBELLAR ATAXIA WITH MENTAL RETARDATION AND EPILEPSY. Identifiers: Orphanet 284282, MedGen C3280452, MONDO:0013687, OMIM 614322.

Allele frequency attached by ClinVar (database versions not stated): TOPMed below 0.00001.
gnomAD v4.1: 6 of 1,614,198 alleles (0.00037%); highest among the groups gnomAD compares: Non-Finnish European, 0.00051%; no homozygotes.

Submission:

Labcorp Genetics (formerly Invitae), Labcorp
Classification: Uncertain significance for Developmental and epileptic encephalopathy, 1; Autosomal recessive spinocerebellar ataxia 12. Last evaluated: 2022-02-27. Review status: criteria provided, single submitter. Criteria: Invitae Variant Classification Sherloc (09022015). Collection method: clinical testing. Allele origin: germline.
Comment: This sequence change replaces alanine, which is neutral and non-polar, with valine, which is neutral and non-polar, at codon 356 of the WWOX protein (p.Ala356Val). This variant is present in population databases (no rsID available, gnomAD 0.0009%). This variant has not been reported in the literature in individuals affected with WWOX-related conditions. Algorithms developed to predict the effect of missense changes on protein structure and function are either unavailable or do not agree on the potential impact of this missense change (SIFT: "Not Available"; PolyPhen-2: "Possibly Damaging"; Align-GVGD: "Not Available"). In summary, the available evidence is currently insufficient to determine the role of this variant in disease. Therefore, it has been classified as a Variant of Uncertain Significance.